The following is an entry in ClinVar:

ClinVar aggregate classification (germline): Uncertain significance. Review status: criteria provided, multiple submitters, no conflicts (2 of 4 stars). 2 submissions from 2 submitters: Uncertain significance (2). Last evaluated 2023-05-13.

Conditions:
Developmental and epileptic encephalopathy. Identifiers: MedGen C5779964, MONDO:0100620.

Allele frequency attached by ClinVar (database versions not stated): gnomAD exomes below 0.00001 and 0.00001; gnomAD 0.00001; TOPMed 0.00002.
gnomAD v4.1: 5 of 1,613,238 alleles (0.00031%); highest among the groups gnomAD compares: Non-Finnish European, 0.00042%; no homozygotes.

Submissions (2):

GeneDx
Classification: Uncertain significance. Last evaluated: 2023-05-13. Review status: criteria provided, single submitter. Criteria: GeneDx Variant Classification Process June 2021. Collection method: clinical testing. Allele origin: germline. Affected: yes.
Comment: Not observed at significant frequency in large population cohorts (gnomAD); In silico analysis supports that this missense variant has a deleterious effect on protein structure/function; Has not been previously published as pathogenic or benign to our knowledge

Labcorp Genetics (formerly Invitae), Labcorp
Classification: Uncertain significance for Early-infantile DEE. Last evaluated: 2022-05-08. Review status: criteria provided, single submitter. Criteria: Invitae Variant Classification Sherloc (09022015). Collection method: clinical testing. Allele origin: germline.
Comment: This sequence change replaces glycine, which is neutral and non-polar, with serine, which is neutral and polar, at codon 114 of the SLC25A22 protein (p.Gly114Ser). This variant is present in population databases (no rsID available, gnomAD 0.0009%). This variant has not been reported in the literature in individuals affected with SLC25A22-related conditions. ClinVar contains an entry for this variant (Variation ID: 1014432). Algorithms developed to predict the effect of missense changes on protein structure and function (SIFT, PolyPhen-2, Align-GVGD) all suggest that this variant is likely to be disruptive. Algorithms developed to predict the effect of sequence changes on RNA splicing suggest that this variant may create or strengthen a splice site. In summary, the available evidence is currently insufficient to determine the role of this variant in disease. Therefore, it has been classified as a Variant of Uncertain Significance.

NM_001191061.2(SLC25A22):c.340G>A (p.Gly114Ser)

Gene: SLC25A22 (solute carrier family 25 member 22; minus strand). Cytogenetic location: 11p15.5.
Variant type: single nucleotide variant.
Coding change: c.340G>A on transcript NM_001191061.2 (MANE Select); coding-DNA position 340, G replaced by A.
Protein change: p.Gly114Ser; replaces glycine 114 with serine.
Molecular consequence: missense variant.
Genome position (GRCh38, 1-based): chr11:792,942, C>T on the plus strand (G>A on the coding strand, the complement: SLC25A22 is on the minus strand). VCF-style: chr11-792942-C-T. GRCh37 (hg19) VCF-style: chr11-792942-C-T.
Other names: c.340G>A, p.Gly114Ser (NM_001191060.2, NM_024698.6); c.340G>A (NM_024698.5); short protein forms G114S.
Identifiers: ClinVar variation 1014432 (VCV001014432.9), dbSNP rs905293556, ClinGen allele CA216994021.